The following is an entry in ClinVar:

NM_013382.7(POMT2):c.1142A>G (p.Tyr381Cys)

Gene: POMT2 (protein O-mannosyltransferase 2; minus strand). Cytogenetic location: 14q24.3.
Variant type: single nucleotide variant.
Coding change: c.1142A>G on transcript NM_013382.7 (MANE Select); coding-DNA position 1142, A replaced by G.
Protein change: p.Tyr381Cys; replaces tyrosine 381 with cysteine.
Molecular consequence: missense variant.
Genome position (GRCh38, 1-based): chr14:77,291,355, T>C on the plus strand (A>G on the coding strand, the complement: POMT2 is on the minus strand). VCF-style: chr14-77291355-T-C. GRCh37 (hg19) VCF-style: chr14-77757698-T-C.
Other names: short protein forms Y381C.
Identifiers: ClinVar variation 654933 (VCV000654933.12), dbSNP rs375840897, ClinGen allele CA7285956.
Genomic context (GRCh38, chr14:77,291,355, plus strand): 5'-CAGTCTCTGACCACATTACCTGAGTTTGTGTTATGTTTCTTGATAATCCACAGGTTGTTG[T>C]AGTCCTTGTGCAAATAGGTGGTGACCTGGGTGGGGGGTGGGGGCGGAGGGAAGAGGAAGC-3'
Protein context (NP_037514.2, residues 371-391): QQVTTYLHKD[Tyr381Cys]NNLWIIKKHN

ClinVar aggregate classification (germline): Uncertain significance. Review status: criteria provided, multiple submitters, no conflicts (2 of 4 stars). 3 submissions from 3 submitters: Uncertain significance (3). Last evaluated 2025-11-01.

Conditions:
Muscular dystrophy-dystroglycanopathy (congenital with brain and eye anomalies), type A2. Also called: WALKER-WARBURG SYNDROME OR MUSCLE-EYE-BRAIN DISEASE, POMT2-RELATED; MUSCULAR DYSTROPHY-DYSTROGLYCANOPATHY (CONGENITAL WITH BRAIN AND EYE ANOMALIES), TYPE A, 2. Identifiers: Orphanet 588, Orphanet 899, MedGen C3150411, MONDO:0013154, OMIM 613150.
Muscular dystrophy-dystroglycanopathy (congenital with impaired intellectual development), type B, 2. Also called: Muscular dystrophy-dystroglycanopathy (congenital with intellectual disability), type B2; MUSCULAR DYSTROPHY, CONGENITAL, POMT2-RELATED. Identifiers: MedGen C3150416, MONDO:0013160, OMIM 613156.
Autosomal recessive limb-girdle muscular dystrophy type 2N. Also called: MUSCULAR DYSTROPHY-DYSTROGLYCANOPATHY, LIMB-GIRDLE, POMT2-RELATED; Muscular dystrophy-dystroglycanopathy (limb-girdle), type C, 2. Identifiers: Orphanet 206559, MedGen C3150418, MONDO:0013162, OMIM 613158.

Allele frequency attached by ClinVar (database versions not stated): TOPMed 0.00002; gnomAD 0.00004 and 0.00008; gnomAD exomes 0.00010 and 0.00023; ESP Exome Variant Server 0.00008; ExAC 0.00025; 1000 Genomes Project 0.00060; 1000 Genomes Project 30x 0.00062.
gnomAD v4.1: 138 of 1,405,818 alleles (0.0098%); highest among the groups gnomAD compares: South Asian, 0.12%; 1 homozygote.

Submissions (3):

CeGaT Center for Human Genetics Tuebingen
Classification: Uncertain significance. Last evaluated: 2025-11-01. Review status: criteria provided, single submitter. Criteria: CeGaT Center For Human Genetics Tuebingen Variant Classification Criteria Version 2. Collection method: clinical testing. Allele origin: germline. Affected: yes. Observed: 1 variant allele.
Comment: POMT2: PM2

Revvity Omics, Revvity
Classification: Uncertain significance. Last evaluated: 2024-07-30. Review status: criteria provided, single submitter. Criteria: ACMG Guidelines, 2015. Collection method: clinical testing. Allele origin: germline.

Labcorp Genetics (formerly Invitae), Labcorp
Classification: Uncertain significance for Muscular dystrophy-dystroglycanopathy (congenital with impaired intellectual development), type B, 2; Muscular dystrophy-dystroglycanopathy (congenital with brain and eye anomalies), type A2; Autosomal recessive limb-girdle muscular dystrophy type 2N. Last evaluated: 2022-08-08. Review status: criteria provided, single submitter. Criteria: Invitae Variant Classification Sherloc (09022015). Collection method: clinical testing. Allele origin: germline.
Comment: This sequence change replaces tyrosine, which is neutral and polar, with cysteine, which is neutral and slightly polar, at codon 381 of the POMT2 protein (p.Tyr381Cys). This variant is present in population databases (rs375840897, gnomAD 0.2%). This variant has not been reported in the literature in individuals affected with POMT2-related conditions. ClinVar contains an entry for this variant (Variation ID: 654933). Algorithms developed to predict the effect of missense changes on protein structure and function are either unavailable or do not agree on the potential impact of this missense change (SIFT: "Tolerated"; PolyPhen-2: "Possibly Damaging"; Align-GVGD: "Class C0"). In summary, the available evidence is currently insufficient to determine the role of this variant in disease. Therefore, it has been classified as a Variant of Uncertain Significance.